The following is an entry in ClinVar:

ClinVar aggregate classification (germline): Uncertain significance. Review status: criteria provided, multiple submitters, no conflicts (2 of 4 stars). 2 submissions from 2 submitters: Uncertain significance (2). Last evaluated 2025-11-25.

Conditions:
Hereditary cancer-predisposing syndrome. Also called: Neoplastic Syndromes, Hereditary; Hereditary Cancer Syndrome; Tumor predisposition; Hereditary neoplastic syndrome. Identifiers: Orphanet 140162, MedGen C0027672, MeSH D009386, MONDO:0015356.

Submissions (2):

Ambry Genetics
Classification: Uncertain significance for Hereditary cancer-predisposing syndrome. Last evaluated: 2025-11-25. Review status: criteria provided, single submitter. Criteria: Ambry Variant Classification Scheme 2023. Collection method: clinical testing. Allele origin: germline.
Comment: The p.G1343R variant (also known as c.4027G>C), located in coding exon 32 of the POLE gene, results from a G to C substitution at nucleotide position 4027. The glycine at codon 1343 is replaced by arginine, an amino acid with dissimilar properties. This amino acid position is conserved. In addition, this alteration is predicted to be deleterious by in silico analysis. Based on the available evidence, the clinical significance of this variant remains unclear.

Labcorp Genetics (formerly Invitae), Labcorp
Classification: Uncertain significance. Last evaluated: 2023-03-04. Review status: criteria provided, single submitter. Criteria: Invitae Variant Classification Sherloc (09022015). Collection method: clinical testing. Allele origin: germline.
Comment: This variant is not present in population databases (gnomAD no frequency). This variant has not been reported in the literature in individuals affected with POLE-related conditions. ClinVar contains an entry for this variant (Variation ID: 2070156). Advanced modeling of protein sequence and biophysical properties (such as structural, functional, and spatial information, amino acid conservation, physicochemical variation, residue mobility, and thermodynamic stability) performed at Invitae indicates that this missense variant is expected to disrupt POLE protein function. In summary, the available evidence is currently insufficient to determine the role of this variant in disease. Therefore, it has been classified as a Variant of Uncertain Significance. This sequence change replaces glycine, which is neutral and non-polar, with arginine, which is basic and polar, at codon 1343 of the POLE protein (p.Gly1343Arg).

NM_006231.4(POLE):c.4027G>C (p.Gly1343Arg)

Gene: POLE (DNA polymerase epsilon, catalytic subunit; minus strand). Cytogenetic location: 12q24.33.
Variant type: single nucleotide variant.
Coding change: c.4027G>C on transcript NM_006231.4 (MANE Select); coding-DNA position 4027, G replaced by C.
Protein change: p.Gly1343Arg; replaces glycine 1343 with arginine.
Molecular consequence: missense variant.
Genome position (GRCh38, 1-based): chr12:132,649,051, C>G on the plus strand (G>C on the coding strand, the complement: POLE is on the minus strand). VCF-style: chr12-132649051-C-G. GRCh37 (hg19) VCF-style: chr12-133225637-C-G.
Other names: c.4027G>C (NM_006231.2); short protein forms G1343R.
Identifiers: ClinVar variation 2070156 (VCV002070156.5), dbSNP rs556821288, ClinGen allele CA387383972.